The following is an entry in ClinVar:

ClinVar aggregate classification (germline): Likely benign. Review status: criteria provided, multiple submitters, no conflicts (2 of 4 stars). 3 submissions from 3 submitters: Likely benign (3). Last evaluated 2026-03-09.

Conditions:
VWF-related disorder. Also called: VWF-related disorders; VWF-related condition.

gnomAD v4.1: 485 of 1,614,132 alleles (0.03%); highest among the groups gnomAD compares: African/African-American, 0.067%; no homozygotes.

Submissions (3):

Women's Health and Genetics/Laboratory Corporation of America, LabCorp
Classification: Likely benign. Last evaluated: 2026-03-09. Review status: criteria provided, single submitter. Criteria: LabCorp Variant Classification Summary - May 2015. Collection method: clinical testing. Allele origin: germline.

PreventionGenetics, part of Exact Sciences
Classification: Likely benign for VWF-related condition. Last evaluated: 2024-12-12. Review status: criteria provided, single submitter. Criteria: ACMG Guidelines, 2015. Collection method: clinical testing. Allele origin: germline.
Comment: This variant is classified as likely benign based on ACMG/AMP sequence variant interpretation guidelines (Richards et al. 2015 PMID: 25741868, with internal and published modifications).

Blueprint Genetics
Classification: Likely benign. Last evaluated: 2024-07-15. Review status: criteria provided, single submitter. Criteria: ACMG Guidelines, 2015. Collection method: clinical testing. Allele origin: germline.

NM_000552.5(VWF):c.81C>T (p.Arg27=)

Gene: VWF (von Willebrand factor; minus strand). Cytogenetic location: 12p13.31.
Variant type: single nucleotide variant.
Coding change: c.81C>T on transcript NM_000552.5 (MANE Select); coding-DNA position 81, C replaced by T.
Protein change: p.Arg27=; no amino-acid change (arginine 27 retained).
Molecular consequence: synonymous variant.
Genome position (GRCh38, 1-based): chr12:6,121,313, G>A on the plus strand (C>T on the coding strand, the complement: VWF is on the minus strand). VCF-style: chr12-6121313-G-A. GRCh37 (hg19) VCF-style: chr12-6230479-G-A.
Other names: c.81C>T (NM_000552.4).
Identifiers: ClinVar variation 4847387 (VCV004847387.3).